The following is an entry in ClinVar:

ClinVar aggregate classification (germline): Uncertain significance. Review status: criteria provided, multiple submitters, no conflicts (2 of 4 stars). 2 submissions from 2 submitters: Uncertain significance (2). Last evaluated 2025-09-10.

Conditions:
PKD1L1-related disorder. Also called: PKD1L1-related condition.
Inborn genetic diseases. Identifiers: MedGen C0950123, MeSH D030342.

Allele frequency attached by ClinVar (database versions not stated): gnomAD exomes 0.00001; ExAC 0.00002; gnomAD 0.00002; TOPMed 0.00002; ESP Exome Variant Server 0.00008.
gnomAD v4.1: 18 of 1,613,976 alleles (0.0011%); highest among the groups gnomAD compares: Non-Finnish European, 0.0014%; no homozygotes.

Submissions (2):

PreventionGenetics, part of Exact Sciences
Classification: Uncertain significance for PKD1L1-related condition. Last evaluated: 2025-09-10. Review status: criteria provided, single submitter. Criteria: ACMG Guidelines, 2015. Collection method: clinical testing. Allele origin: germline.
Comment: The PKD1L1 c.1369C>T variant is predicted to result in the amino acid substitution p.Leu457Phe. To our knowledge, this variant has not been reported in the literature. This variant is reported in 0.0018% of alleles in individuals of European (Non-Finnish) descent in gnomAD. At this time, the clinical significance of this variant is uncertain due to the absence of conclusive functional and genetic evidence.

Ambry Genetics
Classification: Uncertain significance for Inborn genetic diseases. Last evaluated: 2025-05-26. Review status: criteria provided, single submitter. Criteria: Ambry Variant Classification Scheme 2023. Collection method: clinical testing. Allele origin: germline.

NM_138295.5(PKD1L1):c.1369C>T (p.Leu457Phe)

Gene: PKD1L1 (polycystin 1 like 1, transient receptor potential channel interacting; minus strand). Cytogenetic location: 7p12.3.
Variant type: single nucleotide variant.
Coding change: c.1369C>T on transcript NM_138295.5 (MANE Select); coding-DNA position 1369, C replaced by T.
Protein change: p.Leu457Phe; replaces leucine 457 with phenylalanine.
Molecular consequence: missense variant.
Genome position (GRCh38, 1-based): chr7:47,908,110, G>A on the plus strand (C>T on the coding strand, the complement: PKD1L1 is on the minus strand). VCF-style: chr7-47908110-G-A. GRCh37 (hg19) VCF-style: chr7-47947707-G-A.
Other names: short protein forms L457F.
Identifiers: ClinVar variation 2634735 (VCV002634735.3), dbSNP rs375474618, ClinGen allele CA4254078.